The following is an entry in ClinVar:

ClinVar aggregate classification (germline): Uncertain significance. Review status: criteria provided, multiple submitters, no conflicts (2 of 4 stars). 2 submissions from 2 submitters: Uncertain significance (2). Last evaluated 2023-06-27.

Conditions:
DICER1-related tumor predisposition. Also called: DICER1-related pleuropulmonary blastoma cancer predisposition syndrome; DICER1 syndrome. Identifiers: Orphanet 284343, MedGen C3839822, MONDO:0100216.
Hereditary cancer-predisposing syndrome. Also called: Neoplastic Syndromes, Hereditary; Hereditary Cancer Syndrome; Hereditary neoplastic syndrome; Tumor predisposition. Identifiers: Orphanet 140162, MedGen C0027672, MeSH D009386, MONDO:0015356.

Submissions (2):

Labcorp Genetics (formerly Invitae), Labcorp
Classification: Uncertain significance for DICER1-related tumor predisposition. Last evaluated: 2023-06-27. Review status: criteria provided, single submitter. Criteria: Invitae Variant Classification Sherloc (09022015). Collection method: clinical testing. Allele origin: germline.
Comment: This sequence change replaces glutamic acid, which is acidic and polar, with glutamine, which is neutral and polar, at codon 128 of the DICER1 protein (p.Glu128Gln). In summary, the available evidence is currently insufficient to determine the role of this variant in disease. Therefore, it has been classified as a Variant of Uncertain Significance. Advanced modeling of protein sequence and biophysical properties (such as structural, functional, and spatial information, amino acid conservation, physicochemical variation, residue mobility, and thermodynamic stability) performed at Invitae indicates that this missense variant is not expected to disrupt DICER1 protein function. ClinVar contains an entry for this variant (Variation ID: 824272). This variant has not been reported in the literature in individuals affected with DICER1-related conditions. This variant is not present in population databases (gnomAD no frequency).

Ambry Genetics
Classification: Uncertain significance for Hereditary cancer-predisposing syndrome. Last evaluated: 2019-11-27. Review status: criteria provided, single submitter. Criteria: Ambry Variant Classification Scheme 2023. Collection method: clinical testing. Allele origin: germline.
Comment: The p.E128Q variant (also known as c.382G>C), located in coding exon 3 of the DICER1 gene, results from a G to C substitution at nucleotide position 382. The glutamic acid at codon 128 is replaced by glutamine, an amino acid with highly similar properties. This amino acid position is highly conserved in available vertebrate species. In addition, this alteration is predicted to be tolerated by in silico analysis. Since supporting evidence is limited at this time, the clinical significance of this alteration remains unclear.

NM_177438.3(DICER1):c.382G>C (p.Glu128Gln)

Gene: DICER1 (dicer 1, ribonuclease III; minus strand). Cytogenetic location: 14q32.13.
Variant type: single nucleotide variant.
Coding change: c.382G>C on transcript NM_177438.3 (MANE Select); coding-DNA position 382, G replaced by C.
Protein change: p.Glu128Gln; replaces glutamic acid 128 with glutamine.
Molecular consequence: missense variant.
Genome position (GRCh38, 1-based): chr14:95,131,565, C>G on the plus strand (G>C on the coding strand, the complement: DICER1 is on the minus strand). VCF-style: chr14-95131565-C-G. GRCh37 (hg19) VCF-style: chr14-95597902-C-G.
Other names: c.382G>C, p.Glu128Gln (NM_001195573.1, NM_001271282.3, NM_001291628.2 and 1 more transcripts); short protein forms E128Q.
Identifiers: ClinVar variation 824272 (VCV000824272.7), dbSNP rs1595462971, ClinGen allele CA390889056.